The following is an entry in ClinVar:

NM_024577.4(SH3TC2):c.53-17T>C

Gene: SH3TC2 (SH3 domain and tetratricopeptide repeats 2; minus strand). Cytogenetic location: 5q32.
Variant type: single nucleotide variant.
Coding change: c.53-17T>C on transcript NM_024577.4 (MANE Select); 17 bases into the intron before coding-DNA position 53, T replaced by C.
Molecular consequence: intron variant.
Genome position (GRCh38, 1-based): chr5:149,052,257, A>G on the plus strand (T>C on the coding strand, the complement: SH3TC2 is on the minus strand). VCF-style: chr5-149052257-A-G. GRCh37 (hg19) VCF-style: chr5-148431820-A-G.
Identifiers: ClinVar variation 508531 (VCV000508531.1), dbSNP rs1468767577, ClinGen allele CA563537845.

ClinVar aggregate classification (germline): Likely benign (1 of 4 stars; one submission).

Allele frequency attached by ClinVar (database versions not stated): gnomAD exomes below 0.00001; gnomAD 0.00001; TOPMed 0.00002.
gnomAD v4.1: 4 of 1,560,602 alleles (0.00026%); highest among the groups gnomAD compares: Non-Finnish European, 0.00035%; no homozygotes.

Submission:

GeneDx
Classification: Likely benign. Last evaluated: 2017-03-30. Review status: criteria provided, single submitter. Criteria: GeneDx Variant Classification (06012015). Collection method: clinical testing. Allele origin: germline. Affected: yes.
Comment: This variant is considered likely benign or benign based on one or more of the following criteria: it is a conservative change, it occurs at a poorly conserved position in the protein, it is predicted to be benign by multiple in silico algorithms, and/or has population frequency not consistent with disease.